The following is an entry in ClinVar:

ClinVar aggregate classification (germline): Uncertain significance (1 of 4 stars; one submission).

Conditions:
Rhabdoid tumor predisposition syndrome 2 (RTPS2). Identifiers: Orphanet 231108, Orphanet 69077, MedGen C2750074, MONDO:0013224, OMIM 613325.

Submission:

Labcorp Genetics (formerly Invitae), Labcorp
Classification: Uncertain significance for Rhabdoid tumor predisposition syndrome 2. Last evaluated: 2022-07-29. Review status: criteria provided, single submitter. Criteria: Invitae Variant Classification Sherloc (09022015). Collection method: clinical testing. Allele origin: germline.
Comment: Algorithms developed to predict the effect of missense changes on protein structure and function output the following: SIFT: "Tolerated"; PolyPhen-2: "Benign"; Align-GVGD: "Class C0". The glycine amino acid residue is found in multiple mammalian species, which suggests that this missense change does not adversely affect protein function. In summary, the available evidence is currently insufficient to determine the role of this variant in disease. Therefore, it has been classified as a Variant of Uncertain Significance. This variant has not been reported in the literature in individuals affected with SMARCA4-related conditions. This sequence change replaces serine, which is neutral and polar, with glycine, which is neutral and non-polar, at codon 1263 of the SMARCA4 protein (p.Ser1263Gly). This variant is not present in population databases (gnomAD no frequency).

NM_003072.5(SMARCA4):c.3787A>G (p.Ser1263Gly)

Gene: SMARCA4 (SWI/SNF related BAF chromatin remodeling complex subunit ATPase 4; plus strand). Cytogenetic location: 19p13.2.
Variant type: single nucleotide variant.
Coding change: c.3787A>G on transcript NM_003072.5 (MANE Select); coding-DNA position 3787, A replaced by G.
Protein change: p.Ser1263Gly; replaces serine 1263 with glycine.
Molecular consequence: missense variant. On other transcripts: intron variant (5).
Genome position (GRCh38, 1-based): chr19:11,033,779, A>G. VCF-style: chr19-11033779-A-G. GRCh37 (hg19) VCF-style: chr19-11144455-A-G.
Other names: c.3787A>G, p.Ser1263Gly (NM_001128844.3, NM_001128849.3, NM_001387283.1); c.3774+262A>G (NM_001128847.4, NM_001374457.1, NM_001128845.2 and 2 more transcripts); short protein forms S1263G.
Identifiers: ClinVar variation 1714248 (VCV001714248.5), dbSNP rs2515300928, ClinGen allele CA404066428.